The following is an entry in ClinVar:

NM_005560.6(LAMA5):c.9967G>T (p.Ala3323Ser)

Gene: LAMA5 (laminin subunit alpha 5; minus strand). Cytogenetic location: 20q13.33.
Variant type: single nucleotide variant.
Coding change: c.9967G>T on transcript NM_005560.6 (MANE Select); coding-DNA position 9967, G replaced by T.
Protein change: p.Ala3323Ser; replaces alanine 3323 with serine.
Molecular consequence: missense variant.
Genome position (GRCh38, 1-based): chr20:62,311,283, C>A on the plus strand (G>T on the coding strand, the complement: LAMA5 is on the minus strand). VCF-style: chr20-62311283-C-A. GRCh37 (hg19) VCF-style: chr20-60886339-C-A.
Other names: short protein forms A3323S.
Identifiers: ClinVar variation 2581315 (VCV002581315.1), dbSNP rs747595601, ClinGen allele CA9939978.

ClinVar aggregate classification (germline): Uncertain significance (1 of 4 stars; one submission).

Allele frequency attached by ClinVar (database versions not stated): gnomAD 0.00001.
gnomAD v4.1: 22 of 1,594,046 alleles (0.0014%); highest among the groups gnomAD compares: Non-Finnish European, 0.0018%; no homozygotes.

Submission:

Women's Health and Genetics/Laboratory Corporation of America, LabCorp
Classification: Uncertain significance. Last evaluated: 2023-08-23. Review status: criteria provided, single submitter. Criteria: LabCorp Variant Classification Summary - May 2015. Collection method: clinical testing. Allele origin: germline.
Comment: Variant summary: LAMA5 c.9967G>T (p.Ala3323Ser) results in a conservative amino acid change in the encoded protein sequence. Five of five in-silico tools predict a benign effect of the variant on protein function. The variant allele was found at a frequency of 1.8e-05 in 224532 control chromosomes (gnomAD). The available data on variant occurrences in the general population are insufficient to allow any conclusion about variant significance. To our knowledge, no occurrence of c.9967G>T in individuals affected with LAMA5-Related Disorders and no experimental evidence demonstrating its impact on protein function have been reported. No submitters have cited clinical-significance assessments for this variant to ClinVar after 2014. Based on the evidence outlined above, the variant was classified as uncertain significance.